The following is an entry in ClinVar:

NM_006345.4(SLC30A9):c.33C>G (p.His11Gln)

Gene: SLC30A9 (solute carrier family 30 member 9; plus strand). Cytogenetic location: 4p13.
Variant type: single nucleotide variant.
Coding change: c.33C>G on transcript NM_006345.4 (MANE Select); coding-DNA position 33, C replaced by G.
Protein change: p.His11Gln; replaces histidine 11 with glutamine.
Molecular consequence: missense variant.
Genome position (GRCh38, 1-based): chr4:41,990,684, C>G. VCF-style: chr4-41990684-C-G. GRCh37 (hg19) VCF-style: chr4-41992701-C-G.
Other names: short protein forms H11Q.
Identifiers: ClinVar variation 1690850 (VCV001690850.2), dbSNP rs577403817, ClinGen allele CA95841559.

ClinVar aggregate classification (germline): Uncertain significance (1 of 4 stars; one submission).

Allele frequency attached by ClinVar (database versions not stated): gnomAD exomes below 0.00001; gnomAD 0.00001 and 0.00002; TOPMed 0.00001.
gnomAD v4.1: 4 of 1,610,034 alleles (0.00025%); highest among the groups gnomAD compares: African/African-American, 0.0053%; no homozygotes.

Submission:

Laboratorio de Genetica e Diagnostico Molecular, Hospital Israelita Albert Einstein
Classification: Uncertain significance. Last evaluated: 2020-04-05. Review status: criteria provided, single submitter. Criteria: ACMG Guidelines, 2015. Collection method: clinical testing. Allele origin: germline. Affected: yes.
Comment: ACMG classification criteria: PM2